The following is an entry in ClinVar:

ClinVar aggregate classification (germline): Uncertain significance (1 of 4 stars; one submission).

Allele frequency attached by ClinVar (database versions not stated): ExAC 0.00002; gnomAD exomes 0.00001.
gnomAD v4.1: 9 of 1,611,838 alleles (0.00056%); highest among the groups gnomAD compares: South Asian, 0.0044%; no homozygotes.

Submission:

Labcorp Genetics (formerly Invitae), Labcorp
Classification: Uncertain significance. Last evaluated: 2022-09-27. Review status: criteria provided, single submitter. Criteria: Invitae Variant Classification Sherloc (09022015). Collection method: clinical testing. Allele origin: germline.
Comment: This sequence change replaces arginine, which is basic and polar, with cysteine, which is neutral and slightly polar, at codon 384 of the KIF11 protein (p.Arg384Cys). This variant is present in population databases (rs776943293, gnomAD 0.004%). In summary, the available evidence is currently insufficient to determine the role of this variant in disease. Therefore, it has been classified as a Variant of Uncertain Significance. This variant has not been reported in the literature in individuals affected with KIF11-related conditions. ClinVar contains an entry for this variant (Variation ID: 1403524). Algorithms developed to predict the effect of missense changes on protein structure and function (SIFT, PolyPhen-2, Align-GVGD) all suggest that this variant is likely to be disruptive.

NM_004523.4(KIF11):c.1150C>T (p.Arg384Cys)

Gene: KIF11 (kinesin family member 11; plus strand). Cytogenetic location: 10q23.33.
Variant type: single nucleotide variant.
Coding change: c.1150C>T on transcript NM_004523.4 (MANE Select); coding-DNA position 1150, C replaced by T.
Protein change: p.Arg384Cys; replaces arginine 384 with cysteine.
Molecular consequence: missense variant.
Genome position (GRCh38, 1-based): chr10:92,621,406, C>T. VCF-style: chr10-92621406-C-T. GRCh37 (hg19) VCF-style: chr10-94381163-C-T.
Other names: short protein forms R384C.
Identifiers: ClinVar variation 1403524 (VCV001403524.8), dbSNP rs776943293, ClinGen allele CA5604136.